The following is an entry in ClinVar:

NM_000521.4(HEXB):c.333G>A (p.Trp111Ter)

Gene: HEXB (hexosaminidase subunit beta; plus strand). Cytogenetic location: 5q13.3.
Variant type: single nucleotide variant.
Coding change: c.333G>A on transcript NM_000521.4 (MANE Select); coding-DNA position 333, G replaced by A.
Protein change: p.Trp111Ter; replaces tryptophan 111 with a stop codon.
Molecular consequence: nonsense. On other transcripts: 5 prime UTR variant (1).
Genome position (GRCh38, 1-based): chr5:74,689,361, G>A. VCF-style: chr5-74689361-G-A. GRCh37 (hg19) VCF-style: chr5-73985186-G-A.
Other names: p.Trp111Ter; c.-343G>A (NM_001292004.2); short protein forms W111*.
Identifiers: ClinVar variation 557986 (VCV000557986.9), dbSNP rs761117459, ClinGen allele CA3305801.

ClinVar aggregate classification (germline): Pathogenic/Likely pathogenic. Review status: criteria provided, multiple submitters, no conflicts (2 of 4 stars). 4 submissions from 4 submitters: Pathogenic (2); Likely pathogenic (1). 1 of the submissions does not count toward it. Last evaluated 2024-08-23.

Conditions:
Sandhoff disease. Also called: GM2-GANGLIOSIDOSIS, TYPE II; HEXOSAMINIDASES A AND B DEFICIENCY; Beta-hexosaminidase-beta-subunit deficiency; GM2 gangliosidosis, type 2; Total hexosaminidase deficiency; Sandhoff-Jatzkewitz-Pilz disease. Identifiers: Orphanet 796, MedGen C0036161, MONDO:0010006, OMIM 268800.

gnomAD v4.1: 6 of 1,613,032 alleles (0.00037%); highest among the groups gnomAD compares: African/African-American, 0.004%; no homozygotes.

Submissions (4):

Labcorp Genetics (formerly Invitae), Labcorp
Classification: Pathogenic for Sandhoff disease. Last evaluated: 2024-08-23. Review status: criteria provided, single submitter. Criteria: Invitae Variant Classification Sherloc (09022015). Collection method: clinical testing. Allele origin: germline.
Comment: This sequence change creates a premature translational stop signal (p.Trp111*) in the HEXB gene. It is expected to result in an absent or disrupted protein product. Loss-of-function variants in HEXB are known to be pathogenic (PMID: 7550345, 18758829). This variant is present in population databases (rs761117459, gnomAD 0.007%). This premature translational stop signal has been observed in individual(s) with Sandhoff disease (PMID: 26582265). ClinVar contains an entry for this variant (Variation ID: 557986). For these reasons, this variant has been classified as Pathogenic.

Department of Pathology and Laboratory Medicine, Sinai Health System
Classification: Likely pathogenic for Sandhoff disease. Last evaluated: 2023-02-06. Review status: criteria provided, single submitter. Criteria: ACMG Guidelines, 2015. Collection method: research. Allele origin: germline.

Foundation for Research in Genetics and Endocrinology, FRIGE's Institute of Human Genetics
Classification: Pathogenic for Sandhoff disease. Last evaluated: 2022-12-26. Review status: criteria provided, single submitter. Criteria: ACMG Guidelines, 2015. Collection method: clinical testing. Allele origin: germline. Inheritance: Autosomal recessive inheritance. Affected: yes. Observed: 1 compound heterozygote.
Comment: A compound heterozygous status for the variant c.333G>A in Exon 2 of the HEXB gene was detected. The variants have not been reported in the 1000 genomes database and has a MAF of 0.0008% in the gnomAD database. The in-silico prediction is disease causing by Mutation Taster and DANN. In summary, the variant meets our criteria to be classified as pathogenic.

Counsyl
Classification: Pathogenic for Sandhoff disease. Last evaluated: 2018-04-25. Review status: no assertion criteria provided. Collection method: clinical testing. Allele origin: unknown. Not counted in ClinVar's aggregate classification.

Literature cited by the submitters: PubMed 7550345 (cited by Labcorp Genetics (formerly Invitae), Labcorp); PubMed 18758829 (cited by Labcorp Genetics (formerly Invitae), Labcorp); PubMed 26582265 (cited by Labcorp Genetics (formerly Invitae), Labcorp and Counsyl).